The following is an entry in ClinVar:

NM_182914.3(SYNE2):c.7701A>G (p.Ile2567Met)

Gene: SYNE2 (spectrin repeat containing nuclear envelope protein 2; plus strand). Cytogenetic location: 14q23.2.
Variant type: single nucleotide variant.
Coding change: c.7701A>G on transcript NM_182914.3 (MANE Select); coding-DNA position 7701, A replaced by G.
Protein change: p.Ile2567Met; replaces isoleucine 2567 with methionine.
Molecular consequence: missense variant.
Genome position (GRCh38, 1-based): chr14:64,051,614, A>G. VCF-style: chr14-64051614-A-G. GRCh37 (hg19) VCF-style: chr14-64518332-A-G.
Other names: c.7701A>G, p.Ile2567Met (NM_015180.6); short protein forms I2567M.
Identifiers: ClinVar variation 3898711 (VCV003898711.7).

ClinVar aggregate classification (germline): Uncertain significance (1 of 4 stars; one submission).

Submission:

CeGaT Center for Human Genetics Tuebingen
Classification: Uncertain significance. Last evaluated: 2025-04-01. Review status: criteria provided, single submitter. Criteria: CeGaT Center For Human Genetics Tuebingen Variant Classification Criteria Version 2. Collection method: clinical testing. Allele origin: germline. Affected: yes. Observed: 1 variant allele.
Comment: SYNE2: PM2, BP4